The following is an entry in ClinVar:

NM_001042492.3(NF1):c.8272C>A (p.Pro2758Thr)

Gene: NF1 (neurofibromin 1; plus strand). Cytogenetic location: 17q11.2.
Variant type: single nucleotide variant.
Coding change: c.8272C>A on transcript NM_001042492.3 (MANE Select); coding-DNA position 8272, C replaced by A.
Protein change: p.Pro2758Thr; replaces proline 2758 with threonine.
Molecular consequence: missense variant.
Genome position (GRCh38, 1-based): chr17:31,360,598, C>A. VCF-style: chr17-31360598-C-A. GRCh37 (hg19) VCF-style: chr17-29687616-C-A.
Other names: c.8209C>A, p.Pro2737Thr (NM_000267.4); short protein forms P2737T, P2758T.
Identifiers: ClinVar variation 4119134 (VCV004119134.1).
Genomic context (GRCh38, chr17:31,360,598, plus strand): 5'-TTGATTGACACGTACCTGCCTGGAATTGATGAAGAAACCAGTGAAGAATCCCTCCTGACT[C>A]CCACATCTCCTTACCCTCCTGCACTGCAGAGCCAGCTTAGTATCACTGCCAACCTTAACC-3'
Protein context (NP_001035957.1, residues 2748-2768): EETSEESLLT[Pro2758Thr]TSPYPPALQS

ClinVar aggregate classification (germline): Uncertain significance (1 of 4 stars; one submission).

Conditions:
Cardiovascular phenotype. Identifiers: MedGen CN230736.
Hereditary cancer-predisposing syndrome. Also called: Hereditary neoplastic syndrome; Neoplastic Syndromes, Hereditary; Tumor predisposition; Hereditary Cancer Syndrome. Identifiers: Orphanet 140162, MedGen C0027672, MeSH D009386, MONDO:0015356.

Submission:

Ambry Genetics
Classification: Uncertain significance for Cardiovascular phenotype; Hereditary cancer-predisposing syndrome. Last evaluated: 2025-08-15. Review status: criteria provided, single submitter. Criteria: Ambry Variant Classification Scheme 2023. Collection method: clinical testing. Allele origin: germline.
Comment: The p.P2737T variant (also known as c.8209C>A), located in coding exon 56 of the NF1 gene, results from a C to A substitution at nucleotide position 8209. The proline at codon 2737 is replaced by threonine, an amino acid with highly similar properties. This amino acid position is highly conserved in available vertebrate species. In addition, this alteration is predicted to be tolerated by in silico analysis. Based on the available evidence, the clinical significance of this variant remains unclear.